The following is an entry in ClinVar:

ClinVar aggregate classification (germline): Likely benign (1 of 4 stars; one submission).

Allele frequency attached by ClinVar (database versions not stated): gnomAD 0.00001.
gnomAD v4.1: 1 of 1,613,940 alleles (0.000062%); highest among the groups gnomAD compares: Admixed American, 0.0017%; no homozygotes.

Submission:

CeGaT Center for Human Genetics Tuebingen
Classification: Likely benign. Last evaluated: 2023-10-01. Review status: criteria provided, single submitter. Criteria: CeGaT Center For Human Genetics Tuebingen Variant Classification Criteria Version 2. Collection method: clinical testing. Allele origin: germline. Affected: yes. Observed: 1 variant allele.
Comment: TCTN2: BP4, BP7

NM_024809.5(TCTN2):c.1452A>G (p.Val484=)

Gene: TCTN2 (tectonic family member 2; plus strand). Cytogenetic location: 12q24.31.
Variant type: single nucleotide variant.
Coding change: c.1452A>G on transcript NM_024809.5 (MANE Select); coding-DNA position 1452, A replaced by G.
Protein change: p.Val484=; no amino-acid change (valine 484 retained).
Molecular consequence: synonymous variant.
Genome position (GRCh38, 1-based): chr12:123,697,145, A>G. VCF-style: chr12-123697145-A-G. GRCh37 (hg19) VCF-style: chr12-124181692-A-G.
Other names: c.1449A>G, p.Val483= (NM_001143850.3); c.1317A>G, p.Val439= (NM_001410989.1).
Identifiers: ClinVar variation 2643518 (VCV002643518.24), dbSNP rs1956118929, ClinGen allele CA482266514.